The following is an entry in ClinVar:

ClinVar aggregate classification (germline): Likely benign. Review status: criteria provided, multiple submitters, no conflicts (2 of 4 stars). 4 submissions from 4 submitters: Likely benign (4). Last evaluated 2025-12-24.

Conditions:
ZNF469-related disorder. Also called: ZNF469-related condition.
Cardiovascular phenotype. Identifiers: MedGen CN230736.

Allele frequency attached by ClinVar (database versions not stated): gnomAD exomes 0.00005 and 0.00009; TOPMed 0.00005; ExAC 0.00006; gnomAD 0.00006.
gnomAD v4.1: 80 of 1,550,230 alleles (0.0052%); highest among the groups gnomAD compares: Middle Eastern, 0.1%; no homozygotes.

Submissions (4):

Labcorp Genetics (formerly Invitae), Labcorp
Classification: Likely benign. Last evaluated: 2025-12-24. Review status: criteria provided, single submitter. Criteria: Invitae Variant Classification Sherloc (09022015). Collection method: clinical testing. Allele origin: germline.

PreventionGenetics, part of Exact Sciences
Classification: Likely benign for ZNF469-related condition. Last evaluated: 2024-11-18. Review status: criteria provided, single submitter. Criteria: ACMG Guidelines, 2015. Collection method: clinical testing. Allele origin: germline.
Comment: This variant is classified as likely benign based on ACMG/AMP sequence variant interpretation guidelines (Richards et al. 2015 PMID: 25741868, with internal and published modifications).

GeneDx
Classification: Likely benign. Last evaluated: 2020-11-04. Review status: criteria provided, single submitter. Criteria: GeneDx Variant Classification Process June 2021. Collection method: clinical testing. Allele origin: germline. Affected: yes.

Ambry Genetics
Classification: Likely benign for Cardiovascular phenotype. Last evaluated: 2019-07-02. Review status: criteria provided, single submitter. Criteria: Ambry Variant Classification Scheme 2023. Collection method: clinical testing. Allele origin: germline.

NM_001367624.2(ZNF469):c.7116C>G (p.Thr2372=)

Gene: ZNF469 (zinc finger protein 469; plus strand). Cytogenetic location: 16q24.2.
Variant type: single nucleotide variant.
Coding change: c.7116C>G on transcript NM_001367624.2 (MANE Select); coding-DNA position 7116, C replaced by G.
Protein change: p.Thr2372=; no amino-acid change (threonine 2372 retained).
Molecular consequence: synonymous variant.
Genome position (GRCh38, 1-based): chr16:88,434,586, C>G. VCF-style: chr16-88434586-C-G. GRCh37 (hg19) VCF-style: chr16-88500994-C-G.
Other names: NM_001127464.1:c.7032C>G; NM_001127464.2:c.7032C>G.
Identifiers: ClinVar variation 320966 (VCV000320966.16), dbSNP rs762487170, ClinGen allele CA8225215.
Genomic context (GRCh38, chr16:88,434,586, plus strand): 5'-TCCCACGCTACAGGGTGCAGGGCCGGACTCCCCCGCCTGCCTGGAAGGTGAGATGGGGAC[C>G]AGCAGCAAGGAGCCGGAGGACCCAGGGACCCCTGAGACCGGGCGCTCTGGTGCTACCAAG-3'
Protein context (NP_001354553.1, residues 2362-2382): SPACLEGEMG[Thr2372=]SSKEPEDPGT